The following is an entry in ClinVar:

NM_000537.4(REN):c.544G>A (p.Ala182Thr)

Gene: REN (renin; minus strand). Cytogenetic location: 1q32.1.
Variant type: single nucleotide variant.
Coding change: c.544G>A on transcript NM_000537.4 (MANE Select); coding-DNA position 544, G replaced by A.
Protein change: p.Ala182Thr; replaces alanine 182 with threonine.
Molecular consequence: missense variant.
Genome position (GRCh38, 1-based): chr1:204,159,544, C>T on the plus strand (G>A on the coding strand, the complement: REN is on the minus strand). VCF-style: chr1-204159544-C-T. GRCh37 (hg19) VCF-style: chr1-204128672-C-T.
Other names: short protein forms A182T.
Identifiers: ClinVar variation 3578056 (VCV003578056.3).

ClinVar aggregate classification (germline): Uncertain significance. Review status: criteria provided, multiple submitters, no conflicts (2 of 4 stars). 2 submissions from 2 submitters: Uncertain significance (2). Last evaluated 2024-04-23.

Conditions:
Renal tubular dysgenesis of genetic origin. Also called: PRIMITIVE RENAL TUBULE SYNDROME. Identifiers: Orphanet 97369, MedGen C5681536, MONDO:0009970, OMIM 267430.
Familial juvenile hyperuricemic nephropathy type 2 (ADTKD4). Also called: Autosomal Dominant Tubulointerstitial Kidney Disease – REN; EARLY-ONSET HYPERURICEMIA, ANEMIA, AND PROGRESSIVE KIDNEY FAILURE. Identifiers: Orphanet 217330, MedGen C2751310, MONDO:0013128, OMIM 613092.

gnomAD v4.1: 72 of 1,614,046 alleles (0.0045%); highest among the groups gnomAD compares: Non-Finnish European, 0.0055%; no homozygotes.

Submissions (2):

Fulgent Genetics
Classification: Uncertain significance for Renal tubular dysgenesis of genetic origin; Familial juvenile hyperuricemic nephropathy type 2. Last evaluated: 2024-04-23. Review status: criteria provided, single submitter. Criteria: ACMG Guidelines, 2015. Collection method: clinical testing. Allele origin: germline.

Labcorp Genetics (formerly Invitae), Labcorp
Classification: Uncertain significance. Last evaluated: 2024-03-23. Review status: criteria provided, single submitter. Criteria: Invitae Variant Classification Sherloc (09022015). Collection method: clinical testing. Allele origin: germline.
Comment: This sequence change replaces alanine, which is neutral and non-polar, with threonine, which is neutral and polar, at codon 182 of the REN protein (p.Ala182Thr). This variant is present in population databases (no rsID available, gnomAD 0.0009%). This variant has not been reported in the literature in individuals affected with REN-related conditions. Advanced modeling of protein sequence and biophysical properties (such as structural, functional, and spatial information, amino acid conservation, physicochemical variation, residue mobility, and thermodynamic stability) performed at Invitae indicates that this missense variant is not expected to disrupt REN protein function with a negative predictive value of 80%. In summary, the available evidence is currently insufficient to determine the role of this variant in disease. Therefore, it has been classified as a Variant of Uncertain Significance.